The following is an entry in ClinVar:

ClinVar aggregate classification (germline): Uncertain significance (1 of 4 stars; one submission).

Allele frequency attached by ClinVar (database versions not stated): gnomAD exomes below 0.00001.
gnomAD v4.1: 1 of 1,198,957 alleles (0.000083%); highest among the groups gnomAD compares: Non-Finnish European, 0.00011%; no homozygotes.

Submission:

Labcorp Genetics (formerly Invitae), Labcorp
Classification: Uncertain significance. Last evaluated: 2023-09-19. Review status: criteria provided, single submitter. Criteria: Invitae Variant Classification Sherloc (09022015). Collection method: clinical testing. Allele origin: germline.
Comment: In summary, the available evidence is currently insufficient to determine the role of this variant in disease. Therefore, it has been classified as a Variant of Uncertain Significance. Variants that disrupt the consensus splice site are a relatively common cause of aberrant splicing (PMID: 17576681, 9536098). Algorithms developed to predict the effect of sequence changes on RNA splicing suggest that this variant is not likely to affect RNA splicing. This variant has not been reported in the literature in individuals affected with STAG2-related conditions. This variant is not present in population databases (gnomAD no frequency). This sequence change falls in intron 30 of the STAG2 gene. It does not directly change the encoded amino acid sequence of the STAG2 protein. It affects a nucleotide within the consensus splice site.

Literature cited by the submitters: PubMed 17576681; PubMed 9536098.

NM_001042750.2(STAG2):c.3278-3C>T

Gene: STAG2 (STAG2 cohesin complex component; plus strand). Cytogenetic location: Xq25.
Variant type: single nucleotide variant.
Coding change: c.3278-3C>T on transcript NM_001042750.2 (MANE Select); 3 bases into the intron before coding-DNA position 3278, C replaced by T.
Molecular consequence: intron variant.
Genome position (GRCh38, 1-based): chrX:124,090,572, C>T. VCF-style: chrX-124090572-C-T. GRCh37 (hg19) VCF-style: chrX-123224422-C-T.
Other names: c.3278-3C>T (NM_001042749.2, NM_001375366.1, NM_001375373.1 and 13 more transcripts).
Identifiers: ClinVar variation 2718813 (VCV002718813.3), dbSNP rs2522475703, ClinGen allele CA518177471.